The following is an entry in ClinVar:

ClinVar aggregate classification (germline): Conflicting classifications of pathogenicity. Review status: criteria provided, conflicting classifications (1 of 4 stars). 4 submissions from 4 submitters: Uncertain significance (3); Likely benign (1). Last evaluated 2026-04-23.

Conditions:
TTC21B-related disorder. Also called: TTC21B-related disorders; TTC21B-related condition.
Inborn genetic diseases. Identifiers: MedGen C0950123, MeSH D030342.
Nephronophthisis. Also called: Juvenile Nephronophthisis. Identifiers: Orphanet 655, MedGen C0687120, MONDO:0019005, HP:0000090.
Jeune thoracic dystrophy. Also called: Jeune syndrome; Infantile thoracic dystrophy; Thoracic pelvic phalangeal dystrophy; Jeune's syndrome; Chondroectodermal dysplasia-like syndrome; Short-rib thoracic dysplasia. Identifiers: Orphanet 474, MedGen C0265275, MONDO:0018770.

Allele frequency attached by ClinVar (database versions not stated): gnomAD exomes 0.00004; ExAC 0.00008; ESP Exome Variant Server 0.00015; 1000 Genomes Project 30x 0.00016; 1000 Genomes Project 0.00020; gnomAD 0.00027 and 0.00029; TOPMed 0.00027.
gnomAD v4.1: 91 of 1,613,950 alleles (0.0056%); highest among the groups gnomAD compares: African/African-American, 0.092%; no homozygotes.

Submissions (4):

PreventionGenetics, part of Exact Sciences
Classification: Uncertain significance for TTC21B-related condition. Last evaluated: 2026-04-23. Review status: criteria provided, single submitter. Criteria: ACMG Guidelines, 2015. Collection method: clinical testing. Allele origin: germline.
Comment: The TTC21B c.2300T>C variant is predicted to result in the amino acid substitution p.Ile767Thr. To our knowledge, this variant has not been reported in the literature. This variant is reported in 0.072% of alleles in individuals of African descent in gnomAD, which may be too frequent to be a primary cause of disease. Although we suspect that this variant may be benign, the clinical significance of this variant is currently classified as uncertain due to the absence of conclusive functional and genetic evidence.

Labcorp Genetics (formerly Invitae), Labcorp
Classification: Likely benign for Jeune thoracic dystrophy; Nephronophthisis. Last evaluated: 2026-01-05. Review status: criteria provided, single submitter. Criteria: Invitae Variant Classification Sherloc (09022015). Collection method: clinical testing. Allele origin: germline.

GeneDx
Classification: Uncertain significance. Last evaluated: 2025-03-20. Review status: criteria provided, single submitter. Criteria: GeneDx Variant Classification Process June 2021. Collection method: clinical testing. Allele origin: germline.
Comment: In silico analysis supports that this missense variant has a deleterious effect on protein structure/function; Has not been previously published as pathogenic or benign to our knowledge

Ambry Genetics
Classification: Uncertain significance for Inborn genetic diseases. Last evaluated: 2024-06-11. Review status: criteria provided, single submitter. Criteria: Ambry Variant Classification Scheme 2023. Collection method: clinical testing. Allele origin: germline.

NM_024753.5(TTC21B):c.2300T>C (p.Ile767Thr)

Gene: TTC21B (tetratricopeptide repeat domain 21B; minus strand). Cytogenetic location: 2q24.3.
Variant type: single nucleotide variant.
Coding change: c.2300T>C on transcript NM_024753.5 (MANE Select); coding-DNA position 2300, T replaced by C.
Protein change: p.Ile767Thr; replaces isoleucine 767 with threonine.
Molecular consequence: missense variant.
Genome position (GRCh38, 1-based): chr2:165,912,536, A>G on the plus strand (T>C on the coding strand, the complement: TTC21B is on the minus strand). VCF-style: chr2-165912536-A-G. GRCh37 (hg19) VCF-style: chr2-166769046-A-G.
Other names: c.2300T>C (NM_024753.3); short protein forms I767T.
Identifiers: ClinVar variation 1421195 (VCV001421195.10), dbSNP rs140824612, ClinGen allele CA1941872.